The following is an entry in ClinVar:

ClinVar aggregate classification (germline): Uncertain significance (1 of 4 stars; one submission).

Submission:

Ambry Genetics
Classification: Uncertain significance. Last evaluated: 2025-06-28. Review status: criteria provided, single submitter. Criteria: Ambry Variant Classification Scheme 2023. Collection method: clinical testing. Allele origin: germline.
Comment: The p.A649V variant (also known as c.1946C>T), located in coding exon 11 of the PALLD gene, results from a C to T substitution at nucleotide position 1946. The alanine at codon 649 is replaced by valine, an amino acid with similar properties. This amino acid position is conserved. In addition, the in silico prediction for this alteration is inconclusive. Based on the available evidence, the clinical significance of this variant remains unclear.

NM_001166108.2(PALLD):c.*132C>T

Genes: CBR4 (carbonyl reductase 4; minus strand), PALLD (palladin, cytoskeletal associated protein; plus strand). Cytogenetic location: 4q32.3.
Variant type: single nucleotide variant.
Coding change: c.*132C>T on transcript NM_001166108.2 (MANE Select); 132 bases downstream of the stop codon, C replaced by T.
Molecular consequence: 3 prime UTR variant. On other transcripts: missense variant (4).
Genome position (GRCh38, 1-based): chr4:168,926,312, C>T. VCF-style: chr4-168926312-C-T. GRCh37 (hg19) VCF-style: chr4-169847463-C-T.
Other names: c.2261C>T, p.Ala754Val (NM_001166109.2); c.1946C>T, p.Ala649Val (NM_001166110.2); c.*132C>T (NM_001367567.1, NM_001367570.1, NM_016081.4); c.1337C>T, p.Ala446Val (NM_001367568.1); c.1286C>T, p.Ala429Val (NM_001367569.1); short protein forms A446V, A754V, A649V, A429V.
Identifiers: ClinVar variation 4130395 (VCV004130395.1).